The following is an entry in ClinVar:

ClinVar aggregate classification (germline): Uncertain significance. Review status: criteria provided, multiple submitters, no conflicts (2 of 4 stars). 2 submissions from 2 submitters: Uncertain significance (2). Last evaluated 2021-11-13.

Conditions:
Cerebral arteriopathy, autosomal dominant, with subcortical infarcts and leukoencephalopathy, type 1 (CADASIL1). Also called: CASIL; Cerebral arteriopathy with subcortical infarcts and leukoencephalopathy 1; CADASIL 1; DEMENTIA, HEREDITARY MULTIINFARCT TYPE. Identifiers: Orphanet 136, MedGen C4551768, MONDO:0000914, OMIM 125310.
Lateral meningocele syndrome (LMNS). Also called: NOTCH3-Related Lateral Meningocele Syndrome. Identifiers: Orphanet 2789, MedGen C1851710, MONDO:0007537, OMIM 130720.
Myofibromatosis, infantile, 2. Identifiers: Orphanet 2591, MedGen C3809084, MONDO:0014122, OMIM 615293.

Allele frequency attached by ClinVar (database versions not stated): gnomAD 0.00001.
gnomAD v4.1: 35 of 1,611,276 alleles (0.0022%); highest among the groups gnomAD compares: Non-Finnish European, 0.0028%; no homozygotes.

Submissions (2):

Labcorp Genetics (formerly Invitae), Labcorp
Classification: Uncertain significance. Last evaluated: 2021-11-13. Review status: criteria provided, single submitter. Criteria: Invitae Variant Classification Sherloc (09022015). Collection method: clinical testing. Allele origin: germline.
Comment: In summary, the available evidence is currently insufficient to determine the role of this variant in disease. Therefore, it has been classified as a Variant of Uncertain Significance. Algorithms developed to predict the effect of missense changes on protein structure and function are either unavailable or do not agree on the potential impact of this missense change (SIFT: "Deleterious"; PolyPhen-2: "Possibly Damaging"; Align-GVGD: "Class C15"). This variant has not been reported in the literature in individuals affected with NOTCH3-related conditions. This variant is present in population databases (rs766139231, gnomAD 0.0009%). This sequence change replaces alanine, which is neutral and non-polar, with valine, which is neutral and non-polar, at codon 40 of the NOTCH3 protein (p.Ala40Val).

Fulgent Genetics
Classification: Uncertain significance for Cerebral arteriopathy, autosomal dominant, with subcortical infarcts and leukoencephalopathy, type 1; Lateral meningocele syndrome; Myofibromatosis, infantile, 2. Last evaluated: 2021-10-26. Review status: criteria provided, single submitter. Criteria: ACMG Guidelines, 2015. Collection method: clinical testing. Allele origin: unknown.

NM_000435.3(NOTCH3):c.119C>T (p.Ala40Val)

Gene: NOTCH3 (notch receptor 3; minus strand). Cytogenetic location: 19p13.12.
Variant type: single nucleotide variant.
Coding change: c.119C>T on transcript NM_000435.3 (MANE Select); coding-DNA position 119, C replaced by T.
Protein change: p.Ala40Val; replaces alanine 40 with valine.
Molecular consequence: missense variant.
Genome position (GRCh38, 1-based): chr19:15,197,578, G>A on the plus strand (C>T on the coding strand, the complement: NOTCH3 is on the minus strand). VCF-style: chr19-15197578-G-A. GRCh37 (hg19) VCF-style: chr19-15308389-G-A.
Other names: short protein forms A40V.
Identifiers: ClinVar variation 1415694 (VCV001415694.7), dbSNP rs766139231, ClinGen allele CA9263998.
Genomic context (GRCh38, chr19:15,197,578, plus strand): 5'-GAGGGCAGCTGGGTGCAACGACCTCCATTTGCACACGGGCTTCCGTCCAGGCAAGGGGGG[G>A]CTGTGTGGGGGTGAAGGAAGGTGGAGGATCAGCCAGGTGCCCAGGAACCCCAGGCCCAAG-3'
Protein context (NP_000426.2, residues 30-50): LLLLAGPGAA[Ala40Val]PPCLDGSPCA